The following is an entry in ClinVar:

ClinVar aggregate classification (germline): Likely benign (1 of 4 stars; one submission).

Submission:

CeGaT Center for Human Genetics Tuebingen
Classification: Likely benign. Last evaluated: 2022-03-01. Review status: criteria provided, single submitter. Criteria: CeGaT Center For Human Genetics Tuebingen Variant Classification Criteria Version 2. Collection method: clinical testing. Allele origin: germline. Affected: yes. Observed: 1 variant allele.
Comment: ARID1A: PM2:Supporting, BP4, BP7

NM_006015.6(ARID1A):c.2388T>C (p.Tyr796=)

Gene: ARID1A (AT-rich interaction domain 1A; plus strand). Cytogenetic location: 1p36.11.
Variant type: single nucleotide variant.
Coding change: c.2388T>C on transcript NM_006015.6 (MANE Select); coding-DNA position 2388, T replaced by C.
Protein change: p.Tyr796=; no amino-acid change (tyrosine 796 retained).
Molecular consequence: synonymous variant.
Genome position (GRCh38, 1-based): chr1:26,762,288, T>C. VCF-style: chr1-26762288-T-C. GRCh37 (hg19) VCF-style: chr1-27088779-T-C.
Other names: c.2388T>C, p.Tyr796= (NM_139135.4).
Identifiers: ClinVar variation 2638533 (VCV002638533.24), dbSNP rs1570603802, ClinGen allele CA416779877.